The following is an entry in ClinVar:

ClinVar aggregate classification (germline): Likely pathogenic (1 of 4 stars; one submission).

Conditions:
Fabry disease. Also called: ALPHA-GALACTOSIDASE A DEFICIENCY; ANDERSON-FABRY DISEASE; CERAMIDE TRIHEXOSIDASE DEFICIENCY; GLA DEFICIENCY; HEREDITARY DYSTOPIC LIPIDOSIS; Angiokeratoma corporis diffusum. Identifiers: Orphanet 324, MedGen C0002986, MONDO:0010526, OMIM 301500, HP:0001071. Disease mechanism: Fabry disease is due to inactivating mutations in the X-linked GLA gene resulting in deficiency of the enzyme Alpha Galactosidase-A., loss of function.

Submission:

Genomenon, Inc
Classification: Likely pathogenic for Fabry disease. Last evaluated: 2026-09-08. Review status: criteria provided, single submitter. Criteria: Genomenon Sequence Variant Interpretation Standards - Updated. Collection method: curation. Allele origin: germline. Affected: no.
Comment: GLA p.Gly375_Val376del (c.1124_1129del) is an in-frame deletion that results in the loss of Glycine at codon 375 and Valine at codon 376. To our knowledge, this variant has not been reported in patients affected with Fabry disease in the published literature. At least one functional study has demonstrated a substantial alteration in protein function relative to the wild-type (PMID:27657681). It is absent or not present at a significant frequency in gnomAD. In conclusion, we classify GLA p.Gly375_Val376del (c.1124_1129del) as a likely pathogenic variant.

Literature cited by the submitters: PubMed 27657681.

NM_000169.3(GLA):c.1124_1129del (p.Gly375_Val376del)

Genes: GLA (galactosidase alpha; minus strand), RPL36A-HNRNPH2 (RPL36A-HNRNPH2 readthrough; plus strand). Cytogenetic location: Xq22.1.
Variant type: Deletion.
Coding change: c.1124_1129del on transcript NM_000169.3 (MANE Select); coding-DNA positions 1124 to 1129, 6 bases deleted (GAGTGG; older notation c.1124_1129delGAGTGG).
Protein change: p.Gly375_Val376del.
Molecular consequence: inframe deletion. On other transcripts: non-coding transcript variant (3), intron variant (2).
Genome position (GRCh38, 1-based): chrX:101,397,970-101,397,975, CCACTC deleted on the plus strand (GAGTGG on the coding strand, the reverse complement: GLA is on the minus strand); deleting any 6 consecutive bases within chrX:101,397,970-101,397,976 gives the same sequence; the c. name uses the placement nearest the transcript's 3' end. VCF-style (leftmost placement, unchanged base first): chrX-101397969-GCCACTC-G. GRCh37 (hg19) VCF-style: chrX-100652957-GCCACTC-G.
Other names: c.1247_1252del, p.Gly416_Val417del (NM_001406747.1); c.300+2514_300+2519del (NM_001199973.2); c.177+6149_177+6154del (NM_001199974.2).
Identifiers: ClinVar variation 4087183 (VCV004087183.2), dbSNP rs869312229.